The following is an entry in ClinVar:

NM_003384.3(VRK1):c.1004A>G (p.Asp335Gly)

Gene: VRK1 (VRK serine/threonine kinase 1; plus strand). Cytogenetic location: 14q32.2.
Variant type: single nucleotide variant.
Coding change: c.1004A>G on transcript NM_003384.3 (MANE Select); coding-DNA position 1004, A replaced by G.
Protein change: p.Asp335Gly; replaces aspartic acid 335 with glycine.
Molecular consequence: missense variant.
Genome position (GRCh38, 1-based): chr14:96,860,671, A>G. VCF-style: chr14-96860671-A-G. GRCh37 (hg19) VCF-style: chr14-97327008-A-G.
Other names: short protein forms D335G.
Identifiers: ClinVar variation 864710 (VCV000864710.12), dbSNP rs1888350254, ClinGen allele CA390932189.

ClinVar aggregate classification (germline): Uncertain significance. Review status: criteria provided, single submitter (1 of 4 stars). 2 submissions from 2 submitters: Uncertain significance (1). 1 of the submissions does not count toward it. Last evaluated 2019-11-18.

Conditions:
Pontocerebellar hypoplasia type 1A (PCH1A). Also called: PONTOCEREBELLAR HYPOPLASIA WITH ANTERIOR HORN CELL DISEASE; PONTOCEREBELLAR HYPOPLASIA WITH INFANTILE SPINAL MUSCULAR ATROPHY. Identifiers: Orphanet 2254, Orphanet 88616, MedGen C1843504, MONDO:0011866, OMIM 607596.

Submissions (2):

Labcorp Genetics (formerly Invitae), Labcorp
Classification: Uncertain significance for Pontocerebellar hypoplasia type 1A. Last evaluated: 2019-11-18. Review status: criteria provided, single submitter. Criteria: Invitae Variant Classification Sherloc (09022015). Collection method: clinical testing. Allele origin: germline.
Comment: In summary, the available evidence is currently insufficient to determine the role of this variant in disease. Therefore, it has been classified as a Variant of Uncertain Significance. Algorithms developed to predict the effect of sequence changes on RNA splicing suggest that this variant may create or strengthen a splice site, but this prediction has not been confirmed by published transcriptional studies. Algorithms developed to predict the effect of missense changes on protein structure and function are either unavailable or do not agree on the potential impact of this missense change (SIFT: "Deleterious"; PolyPhen-2: "Benign"; Align-GVGD: "Class C35"). This variant has not been reported in the literature in individuals with VRK1-related conditions. This variant is not present in population databases (ExAC no frequency). This sequence change replaces aspartic acid with glycine at codon 335 of the VRK1 protein (p.Asp335Gly). The aspartic acid residue is highly conserved and there is a moderate physicochemical difference between aspartic acid and glycine.

Natera, Inc.
Classification: Uncertain significance for Pontocerebellar hypoplasia, type 1a. Last evaluated: 2020-09-01. Review status: no assertion criteria provided. Collection method: clinical testing. Allele origin: germline. Not counted in ClinVar's aggregate classification.